The following is an entry in ClinVar:

ClinVar aggregate classification (germline): Conflicting classifications of pathogenicity. Review status: criteria provided, conflicting classifications (1 of 4 stars). 6 submissions from 6 submitters: Uncertain significance (1); Likely benign (5). Last evaluated 2025-06-24.

Conditions:
Hereditary cancer-predisposing syndrome. Also called: Tumor predisposition; Hereditary Cancer Syndrome; Hereditary neoplastic syndrome; Neoplastic Syndromes, Hereditary. Identifiers: Orphanet 140162, MedGen C0027672, MeSH D009386, MONDO:0015356.
Hereditary breast ovarian cancer syndrome. Also called: Breast and ovarian cancer; Hereditary breast and/or ovarian cancer syndrome; BRCA1- and BRCA2-Associated Hereditary Breast and Ovarian Cancer; Hereditary breast and ovarian cancer syndrome; Hereditary breast and ovarian cancer syndrome (HBOC); Hereditary breast and ovarian cancer. Identifiers: Orphanet 145, MedGen C0677776, MeSH D061325, MONDO:0003582. Disease mechanism: loss of function.
Breast-ovarian cancer, familial, susceptibility to, 1 (BROVCA1). Also called: BRCA1 Hereditary Breast and Ovarian Cancer; OVARIAN CANCER, SUSCEPTIBILITY TO. Identifiers: Orphanet 145, MedGen C2676676, MONDO:0011450, OMIM 604370. Disease mechanism: loss of function.

Allele frequency attached by ClinVar (database versions not stated): gnomAD 0.00001; TOPMed 0.00001.
gnomAD v4.1: 1 of 1,613,824 alleles (0.000062%); highest among the groups gnomAD compares: Non-Finnish European, 0.000085%; no homozygotes.

Submissions (6):

Labcorp Genetics (formerly Invitae), Labcorp
Classification: Likely benign for Hereditary breast ovarian cancer syndrome. Last evaluated: 2025-06-24. Review status: criteria provided, single submitter. Criteria: Invitae Variant Classification Sherloc (09022015). Collection method: clinical testing. Allele origin: germline.

All of Us Research Program, National Institutes of Health
Classification: Likely benign for Breast-ovarian cancer, familial, susceptibility to, 1. Last evaluated: 2023-06-27. Review status: criteria provided, single submitter. Criteria: ACMG Guidelines, 2015. Collection method: clinical testing. Allele origin: germline. Inheritance: Autosomal dominant inheritance. Observed: 1 variant allele, 1 heterozygote.
Comment: This study involves interpretation of variants in research participants for the purpose of population health screening. Participant phenotype was not available at the time of variant classification. Additional details can be found in publication PMID: 35346344, PMCID: PMC8962531

GeneDx
Classification: Likely benign. Last evaluated: 2021-09-06. Review status: criteria provided, single submitter. Criteria: GeneDx Variant Classification Process June 2021. Collection method: clinical testing. Allele origin: germline. Affected: yes.

Ambry Genetics
Classification: Likely benign for Hereditary cancer-predisposing syndrome. Last evaluated: 2018-02-27. Review status: criteria provided, single submitter. Criteria: Ambry Variant Classification Scheme 2023. Collection method: clinical testing. Allele origin: germline.

Quest Diagnostics Nichols Institute San Juan Capistrano
Classification: Uncertain significance. Last evaluated: 2017-10-03. Review status: criteria provided, single submitter. Criteria: Quest Diagnostics criteria. Collection method: clinical testing. Allele origin: germline.

Color Diagnostics, LLC DBA Color Health
Classification: Likely benign for Hereditary cancer-predisposing syndrome. Last evaluated: 2017-09-24. Review status: criteria provided, single submitter. Criteria: ACMG Guidelines, 2015. Collection method: clinical testing. Allele origin: germline.

NM_007294.4(BRCA1):c.2481A>G (p.Glu827=)

Gene: BRCA1 (BRCA1 DNA repair associated; minus strand). Cytogenetic location: 17q21.31.
Variant type: single nucleotide variant.
Coding change: c.2481A>G on transcript NM_007294.4 (MANE Select); coding-DNA position 2481, A replaced by G.
Protein change: p.Glu827=; no amino-acid change (glutamic acid 827 retained).
Molecular consequence: synonymous variant. On other transcripts: intron variant (137).
Genome position (GRCh38, 1-based): chr17:43,093,050, T>C on the plus strand (A>G on the coding strand, the complement: BRCA1 is on the minus strand). VCF-style: chr17-43093050-T-C. GRCh37 (hg19) VCF-style: chr17-41245067-T-C.
Other names: c.706+1694A>G (NM_001408413.1, NM_001408416.1); c.586+1694A>G (NM_001408476.1, NM_001408474.1); c.709+1694A>G (NM_001408409.1, NM_001408414.1, NM_001408411.1 and 2 more transcripts); c.574+1694A>G (NM_001408493.1, NM_001408490.1, NM_001408491.1); c.454+1694A>G (NM_001408502.1); c.577+1694A>G (NM_001408489.1, NM_001408479.1, NM_001408482.1 and 9 more transcripts); c.661+1694A>G (NM_001408445.1, NM_001408432.1, NM_001408450.1 and 6 more transcripts); c.668-2018A>G (NM_001408431.1, NM_001408424.1, NM_001408421.1); and 41 more.
Identifiers: ClinVar variation 491046 (VCV000491046.22), dbSNP rs397508970, ClinGen allele CA290840072.
Genomic context (GRCh38, chr17:43,093,050, plus strand): 5'-CATTTCTATGCTTGTTTCCCGACTGTGGTTAACTTCATGTCCCAATGGATACTTAAAGCC[T>C]TCTGTGTCATTTCTATTATCTTTGGAACAACCATGAATTAGTCCCTTGGGGTTTTCAAAT-3'
Protein context (NP_009225.1, residues 817-837): GCSKDNRNDT[Glu827=]GFKYPLGHEV